The following is an entry in ClinVar:

NM_002206.3(ITGA7):c.1025C>G (p.Pro342Arg)

Gene: ITGA7 (integrin subunit alpha 7; minus strand). Cytogenetic location: 12q13.2.
Variant type: single nucleotide variant.
Coding change: c.1025C>G on transcript NM_002206.3 (MANE Select); coding-DNA position 1025, C replaced by G.
Protein change: p.Pro342Arg; replaces proline 342 with arginine.
Molecular consequence: missense variant. On other transcripts: 5 prime UTR variant (1).
Genome position (GRCh38, 1-based): chr12:55,698,550, G>C on the plus strand (C>G on the coding strand, the complement: ITGA7 is on the minus strand). VCF-style: chr12-55698550-G-C. GRCh37 (hg19) VCF-style: chr12-56092334-G-C.
Other names: c.1037C>G, p.Pro346Arg (NM_001144996.2, NM_001414029.1, NM_001414030.1); c.746C>G, p.Pro249Arg (NM_001144997.2); c.698C>G, p.Pro233Arg (NM_001367993.1); c.-268C>G (NM_001367994.1); c.1025C>G, p.Pro342Arg (NM_001374465.1, NM_001414031.1, NM_001414034.1); c.1157C>G, p.Pro386Arg (NM_001410977.1); c.905C>G, p.Pro302Arg (NM_001414032.1); c.842C>G, p.Pro281Arg (NM_001414033.1); and 1 more; short protein forms P342R, P346R, P233R, P249R, P386R, P229R, P281R, P302R.
Identifiers: ClinVar variation 1354722 (VCV001354722.5), dbSNP rs1873179104, ClinGen allele CA385190499.

ClinVar aggregate classification (germline): Uncertain significance (1 of 4 stars; one submission).

Conditions:
Congenital muscular dystrophy due to integrin alpha-7 deficiency. Also called: MYOPATHY, CONGENITAL, DUE TO INTEGRIN ALPHA-7 DEFICIENCY; Congenital muscular dystrophy with integrin alpha-7 deficiency; Muscular dystrophy, congenital, due to ITGA7 deficiency. Identifiers: Orphanet 34520, MedGen C2750786, MONDO:0013177, OMIM 613204.

Submission:

Labcorp Genetics (formerly Invitae), Labcorp
Classification: Uncertain significance for Congenital muscular dystrophy due to integrin alpha-7 deficiency. Last evaluated: 2022-07-26. Review status: criteria provided, single submitter. Criteria: Invitae Variant Classification Sherloc (09022015). Collection method: clinical testing. Allele origin: germline.
Comment: This sequence change replaces proline, which is neutral and non-polar, with arginine, which is basic and polar, at codon 342 of the ITGA7 protein (p.Pro342Arg). This variant is not present in population databases (gnomAD no frequency). This variant has not been reported in the literature in individuals affected with ITGA7-related conditions. ClinVar contains an entry for this variant (Variation ID: 1354722). Algorithms developed to predict the effect of missense changes on protein structure and function (SIFT, PolyPhen-2, Align-GVGD) all suggest that this variant is likely to be disruptive. In summary, the available evidence is currently insufficient to determine the role of this variant in disease. Therefore, it has been classified as a Variant of Uncertain Significance.